The following is an entry in ClinVar:

NM_000075.4(CDK4):c.523-20A>C

Gene: CDK4 (cyclin dependent kinase 4; minus strand). Cytogenetic location: 12q14.1.
Variant type: single nucleotide variant.
Coding change: c.523-20A>C on transcript NM_000075.4 (MANE Select); 20 bases into the intron before coding-DNA position 523, A replaced by C.
Molecular consequence: intron variant.
Genome position (GRCh38, 1-based): chr12:57,750,785, T>G on the plus strand (A>C on the coding strand, the complement: CDK4 is on the minus strand). VCF-style: chr12-57750785-T-G. GRCh37 (hg19) VCF-style: chr12-58144568-T-G.
Identifiers: ClinVar variation 3378568 (VCV003378568.1).

ClinVar aggregate classification (germline): Likely benign (1 of 4 stars; one submission).

Conditions:
Melanoma, cutaneous malignant, susceptibility to, 3. Also called: Cutaneous malignant melanoma 3. Identifiers: Orphanet 618, MedGen C1836892, MONDO:0012183, OMIM 609048.

Submission:

Myriad Genetics, Inc.
Classification: Likely benign for Melanoma, cutaneous malignant, susceptibility to, 3. Last evaluated: 2024-09-25. Review status: criteria provided, single submitter. Criteria: Myriad Autosomal Dominant, Autosomal Recessive and X-Linked Classification Criteria (2023). Collection method: clinical testing. Allele origin: unknown.
Comment: This variant is considered likely benign. This variant is intronic and is not expected to impact mRNA splicing.